The following is an entry in ClinVar:

ClinVar aggregate classification (germline): Pathogenic (1 of 4 stars; one submission).

Submission:

Labcorp Genetics (formerly Invitae), Labcorp
Classification: Pathogenic. Last evaluated: 2024-02-16. Review status: criteria provided, single submitter. Criteria: Invitae Variant Classification Sherloc (09022015). Collection method: clinical testing. Allele origin: germline.
Comment: This sequence change creates a premature translational stop signal (p.Val302Aspfs*4) in the SBF1 gene. It is expected to result in an absent or disrupted protein product. Loss-of-function variants in SBF1 are known to be pathogenic (PMID: 28005197, 28902413). This variant is not present in population databases (gnomAD no frequency). This variant has not been reported in the literature in individuals affected with SBF1-related conditions. For these reasons, this variant has been classified as Pathogenic.

Literature cited by the submitters: PubMed 28005197; PubMed 28902413.

NM_002972.4(SBF1):c.905_906del (p.Val302fs)

Gene: SBF1 (SET binding factor 1; minus strand). Cytogenetic location: 22q13.33.
Variant type: Microsatellite.
Coding change: c.905_906del on transcript NM_002972.4 (MANE Select); coding-DNA positions 905 to 906, 2 bases deleted (TG; older notation c.905_906delTG).
Protein change: p.Val302fs; shifts the reading frame from valine 302.
Molecular consequence: frameshift variant.
Genome position (GRCh38, 1-based): chr22:50,466,066-50,466,067, CA deleted on the plus strand (TG on the coding strand, the reverse complement: SBF1 is on the minus strand); deleting any 2 consecutive bases within chr22:50,466,066-50,466,069 gives the same sequence; the c. name uses the placement nearest the transcript's 3' end. VCF-style (leftmost placement, unchanged base first): chr22-50466065-TCA-T. GRCh37 (hg19) VCF-style: chr22-50904494-TCA-T.
Other names: c.908_909del, p.Val303fs (NM_001365819.1, NM_001410794.1); c.905_906del, p.Val302fs (NM_001410795.1); short protein forms V302fs, V303fs.
Identifiers: ClinVar variation 3641149 (VCV003641149.2).
Genomic context (GRCh38, chr22:50,466,065, plus strand): 5'-AGGGTGGAATGTGCACACACTCAGGAATGGTGACCGTCCCTCCATCCAGATCAGCAACAA[TCA>T]CATCGAGCTGCGGACCAAGGGAGCCGGCAGTCAGGGACCTGCAGGCCTGGGCCGTGAGGT-3'